The following is an entry in ClinVar:

NM_014727.3(KMT2B):c.6815C>A (p.Pro2272His)

Gene: KMT2B (lysine methyltransferase 2B; plus strand). Cytogenetic location: 19q13.12.
Variant type: single nucleotide variant.
Coding change: c.6815C>A on transcript NM_014727.3 (MANE Select); coding-DNA position 6815, C replaced by A.
Protein change: p.Pro2272His; replaces proline 2272 with histidine.
Molecular consequence: missense variant.
Genome position (GRCh38, 1-based): chr19:35,733,364, C>A. VCF-style: chr19-35733364-C-A. GRCh37 (hg19) VCF-style: chr19-36224265-C-A.
Other names: short protein forms P2272H.
Identifiers: ClinVar variation 2571040 (VCV002571040.27), dbSNP rs1344846321, ClinGen allele CA405430198.

ClinVar aggregate classification (germline): Uncertain significance (1 of 4 stars; one submission).

Submission:

CeGaT Center for Human Genetics Tuebingen
Classification: Uncertain significance. Last evaluated: 2023-04-01. Review status: criteria provided, single submitter. Criteria: CeGaT Center For Human Genetics Tuebingen Variant Classification Criteria Version 2. Collection method: clinical testing. Allele origin: germline. Affected: yes. Observed: 1 variant allele.
Comment: KMT2B: PM2